The following is an entry in ClinVar:

ClinVar aggregate classification (germline): Pathogenic. Review status: criteria provided, multiple submitters, no conflicts (2 of 4 stars). 3 submissions from 3 submitters: Pathogenic (2). 1 of the submissions does not count toward it. Last evaluated 2024-09-10.

Conditions:
Intellectual developmental disorder, X-linked, syndromic, Bain type. Also called: HNRNPH2-Related Neurodevelopmental Disorder; Intellectual disability, X-linked, syndromic, Bain type. Identifiers: Orphanet 662198, MedGen C4310814, MONDO:0010512, OMIM 300986.

Submissions (3):

GeneDx
Classification: Pathogenic. Last evaluated: 2024-09-10. Review status: criteria provided, single submitter. Criteria: GeneDx Variant Classification Process June 2021. Collection method: clinical testing. Allele origin: germline. Affected: yes.
Comment: Not observed at significant frequency in large population cohorts (gnomAD); In silico analysis supports that this missense variant has a deleterious effect on protein structure/function; This variant is associated with the following publications: (PMID: 31236915, 33728377, 34015165, 31943778, 32335897, 34907471, 37463454, 34490615, 33874999)

Genetics and Prenatal Diagnosis Center, The First Affiliated Hospital of Zhengzhou University
Classification: Pathogenic for Intellectual developmental disorder, X-linked, syndromic, Bain type. Last evaluated: 2021-05-13. Review status: criteria provided, single submitter. Criteria: ACMG Guidelines, 2015. Collection method: clinical testing. Allele origin: de novo. Affected: yes.

OMIM
Classification: Pathogenic for INTELLECTUAL DEVELOPMENTAL DISORDER, X-LINKED, SYNDROMIC, BAIN TYPE. Last evaluated: 2022-12-20. Review status: no assertion criteria provided. Collection method: literature only. Allele origin: germline. Not counted in ClinVar's aggregate classification.

Literature cited by the submitters: PubMed 31236915 (cited by Genetics and Prenatal Diagnosis Center, The First Affiliated Hospital of Zhengzhou University and OMIM).

NM_019597.5(HNRNPH2):c.340C>T (p.Arg114Trp)

Genes: HNRNPH2 (heterogeneous nuclear ribonucleoprotein H2; plus strand), RPL36A-HNRNPH2 (RPL36A-HNRNPH2 readthrough; plus strand). Cytogenetic location: Xq22.1.
Variant type: single nucleotide variant.
Coding change: c.340C>T on transcript NM_019597.5 (MANE Select); coding-DNA position 340, C replaced by T.
Protein change: p.Arg114Trp; replaces arginine 114 with tryptophan.
Molecular consequence: missense variant. On other transcripts: 3 prime UTR variant (2).
Genome position (GRCh38, 1-based): chrX:101,412,328, C>T. VCF-style: chrX-101412328-C-T. GRCh37 (hg19) VCF-style: chrX-100667316-C-T.
Other names: c.*336C>T (NM_001199973.2, NM_001199974.2); c.340C>T, p.Arg114Trp (NM_001032393.3); short protein forms R114W.
Identifiers: ClinVar variation 1098285 (VCV001098285.7), dbSNP rs782191163, ClinGen allele CA413941705.